The following is an entry in ClinVar:

ClinVar aggregate classification (germline): Uncertain significance (1 of 4 stars; one submission).

Conditions:
Temtamy syndrome (TEMTYS). Also called: MENTAL RETARDATION WITH OR WITHOUT CRANIOFACIAL DYSMORPHISM, OCULAR COLOBOMA, OR ABNORMAL CORPUS CALLOSUM. Identifiers: Orphanet 1777, MedGen C1857512, MONDO:0009033, OMIM 218340.

gnomAD v4.1: 4 of 1,613,578 alleles (0.00025%); highest among the groups gnomAD compares: Non-Finnish European, 0.00025%; no homozygotes.

Submission:

Labcorp Genetics (formerly Invitae), Labcorp
Classification: Uncertain significance for Temtamy syndrome. Last evaluated: 2021-02-14. Review status: criteria provided, single submitter. Criteria: Invitae Variant Classification Sherloc (09022015). Collection method: clinical testing. Allele origin: germline.
Comment: This sequence change replaces proline with histidine at codon 114 of the C12orf57 protein (p.Pro114His). The proline residue is highly conserved and there is a moderate physicochemical difference between proline and histidine. In summary, the available evidence is currently insufficient to determine the role of this variant in disease. Therefore, it has been classified as a Variant of Uncertain Significance. Algorithms developed to predict the effect of missense changes on protein structure and function are either unavailable or do not agree on the potential impact of this missense change (SIFT: "Deleterious"; PolyPhen-2: "Probably Damaging"; Align-GVGD: "Class C0"). This variant has not been reported in the literature in individuals with C12orf57-related conditions. This variant is not present in population databases (ExAC no frequency).

NM_138425.4(C12orf57):c.341C>A (p.Pro114His)

Gene: C12orf57 (chromosome 12 open reading frame 57; plus strand). Cytogenetic location: 12p13.31.
Variant type: single nucleotide variant.
Coding change: c.341C>A on transcript NM_138425.4 (MANE Select); coding-DNA position 341, C replaced by A.
Protein change: p.Pro114His; replaces proline 114 with histidine.
Molecular consequence: missense variant. On other transcripts: non-coding transcript variant (1).
Genome position (GRCh38, 1-based): chr12:6,945,882, C>A. VCF-style: chr12-6945882-C-A. GRCh37 (hg19) VCF-style: chr12-7055045-C-A.
Other names: c.341C>A, p.Pro114His (NM_001301834.1); c.302C>A, p.Pro101His (NM_001301836.2); c.254C>A, p.Pro85His (NM_001301837.2); c.236C>A, p.Pro79His (NM_001301838.2); short protein forms P101H, P114H, P79H, P85H.
Identifiers: ClinVar variation 1681843 (VCV001681843.8), dbSNP rs2138242866, ClinGen allele CA383746049.